The following is an entry in ClinVar:

ClinVar aggregate classification (germline): Likely pathogenic (1 of 4 stars; one submission).

Submission:

Dasa
Classification: Likely pathogenic. Last evaluated: 2025-04-15. Review status: criteria provided, single submitter. Criteria: DASA Assertion Criteria. Collection method: clinical testing. Allele origin: germline.
Comment: NM_015072.5(TTLL5):c.2412del (p.Thr805Leufs*40) is a frameshift variant in TTLL5 predicted to alter the reading frame and introduce a premature termination codon and is predicted to result in an absent or altered protein product. Loss of function is an established disease mechanism for TTLL5-associated disorders. Also, this variant is rare in population databases. Based on the currently available evidence, this variant is classified as likely pathogenic.

NM_015072.5(TTLL5):c.2412del (p.Thr805fs)

Gene: TTLL5 (tubulin tyrosine ligase like 5; plus strand). Cytogenetic location: 14q24.3.
Variant type: Deletion.
Coding change: c.2412del on transcript NM_015072.5 (MANE Select); coding-DNA position 2412, one base deleted (G; older notation c.2412delG).
Protein change: p.Thr805fs; shifts the reading frame from threonine 805.
Molecular consequence: frameshift variant.
Genome position (GRCh38, 1-based): chr14:75,779,599, G deleted. VCF-style (leftmost placement, unchanged base first): chr14-75779598-TG-T. GRCh37 (hg19) VCF-style: chr14-76245941-TG-T.
Other names: short protein forms T805fs.
Identifiers: ClinVar variation 4852643 (VCV004852643.2), dbSNP rs1891925410.